The following is an entry in ClinVar:

ClinVar aggregate classification (germline): Likely benign (1 of 4 stars; one submission).

gnomAD v4.1: 1 of 1,614,026 alleles (0.000062%); highest among the groups gnomAD compares: Non-Finnish European, 0.000085%; no homozygotes.

Submission:

CeGaT Center for Human Genetics Tuebingen
Classification: Likely benign. Last evaluated: 2024-11-01. Review status: criteria provided, single submitter. Criteria: CeGaT Center For Human Genetics Tuebingen Variant Classification Criteria Version 2. Collection method: clinical testing. Allele origin: germline. Affected: yes. Observed: 1 variant allele.
Comment: DSP: BP4

NM_004415.4(DSP):c.4800C>T (p.Gly1600=)

Gene: DSP (desmoplakin; plus strand). Cytogenetic location: 6p24.3.
Variant type: single nucleotide variant.
Coding change: c.4800C>T on transcript NM_004415.4 (MANE Select); coding-DNA position 4800, C replaced by T.
Protein change: p.Gly1600=; no amino-acid change (glycine 1600 retained).
Molecular consequence: synonymous variant. On other transcripts: intron variant (2).
Genome position (GRCh38, 1-based): chr6:7,580,990, C>T. VCF-style: chr6-7580990-C-T. GRCh37 (hg19) VCF-style: chr6-7581223-C-T.
Other names: c.4050+750C>T (NM_001319034.2); c.3582+1218C>T (NM_001008844.3).
Identifiers: ClinVar variation 3390269 (VCV003390269.14).
Genomic context (GRCh38, chr6:7,580,990, plus strand): 5'-GAAGAGGACCGCGTCAGAAGACTCCTGCAAGAGGAAGAAGCTGGAGGAAGAGCTGGAAGG[C>T]ATGAGGAGGTCGCTGAAGGAGCAAGCCATCAAAATCACCAACCTGACCCAGCAGCTGGAG-3'
Protein context (NP_004406.2, residues 1590-1610): KRKKLEEELE[Gly1600=]MRRSLKEQAI